The following is an entry in ClinVar:

ClinVar aggregate classification (germline): Pathogenic (1 of 4 stars; one submission).

Conditions:
Marfan syndrome (MFS). Also called: MARFAN SYNDROME, TYPE I; Marfan syndrome type 1; Marfan's syndrome; FBN1-Related Marfan Syndrome; Marfan syndrome, classic. Identifiers: Orphanet 284963, Orphanet 558, MedGen C0024796, MONDO:0007947, OMIM 154700.

Submission:

All of Us Research Program, National Institutes of Health
Classification: Pathogenic for Marfan syndrome. Last evaluated: 2024-05-14. Review status: criteria provided, single submitter. Criteria: ACMG Guidelines, 2015. Collection method: clinical testing. Allele origin: germline. Inheritance: Autosomal dominant inheritance. Observed: 1 variant allele, 1 heterozygote.
Comment: This variant changes 1 nucleotide in exon 25 of the FBN1 gene, creating a premature translation stop signal. This variant is expected to result in an absent or non-functional protein product. To our knowledge, this variant has not been reported in individuals affected with FBN1-related disorders in the literature. This variant has not been identified in the general population by the Genome Aggregation Database (gnomAD). Loss of FBN1 function is a known mechanism of disease. Based on the available evidence, this variant is classified as Pathogenic.

This study involves interpretation of variants in research participants for the purpose of population health screening. Participant phenotype was not available at the time of variant classification. Additional details can be found in publication PMID: 35346344, PMCID: PMC8962531

NM_000138.5(FBN1):c.2893G>T (p.Glu965Ter)

Gene: FBN1 (fibrillin 1; minus strand). Cytogenetic location: 15q21.1.
Variant type: single nucleotide variant.
Coding change: c.2893G>T on transcript NM_000138.5 (MANE Select); coding-DNA position 2893, G replaced by T.
Protein change: p.Glu965Ter; replaces glutamic acid 965 with a stop codon.
Molecular consequence: nonsense.
Genome position (GRCh38, 1-based): chr15:48,490,040, C>A on the plus strand (G>T on the coding strand, the complement: FBN1 is on the minus strand). VCF-style: chr15-48490040-C-A. GRCh37 (hg19) VCF-style: chr15-48782237-C-A.
Other names: c.2893G>T, p.Glu965Ter (NM_001406716.1); short protein forms E965*.
Identifiers: ClinVar variation 3386827 (VCV003386827.1).